The following is an entry in ClinVar:

NM_012210.4(TRIM32):c.1388C>T (p.Ala463Val)

Genes: ASTN2 (astrotactin 2; minus strand), TRIM32 (tripartite motif containing 32; plus strand). Cytogenetic location: 9q33.1.
Variant type: single nucleotide variant.
Coding change: c.1388C>T on transcript NM_012210.4 (MANE Select); coding-DNA position 1388, C replaced by T.
Protein change: p.Ala463Val; replaces alanine 463 with valine.
Molecular consequence: missense variant. On other transcripts: intron variant (3).
Genome position (GRCh38, 1-based): chr9:116,699,130, C>T. VCF-style: chr9-116699130-C-T. GRCh37 (hg19) VCF-style: chr9-119461409-C-T.
Other names: c.1388C>T, p.Ala463Val (NM_001099679.2, NM_001379048.1, NM_001379049.1 and 1 more transcripts); c.2653+26641G>A (NM_014010.5); c.2794+26641G>A (NM_001365069.1); c.2806+26641G>A (NM_001365068.1); short protein forms A463V.
Identifiers: ClinVar variation 3603131 (VCV003603131.1).
Genomic context (GRCh38, chr9:116,699,130, plus strand): 5'-GTGTGACTGACAGCTATGATAACTCCCTCAAGGTATATACCTTGGATGGCCACTGCGTGG[C>T]CTGTCACAGGAGCCAGCTGAGCAAACCATGGGGTATCACAGCCTTGCCATCTGGCCAGTT-3'
Protein context (NP_036342.2, residues 453-473): KVYTLDGHCV[Ala463Val]CHRSQLSKPW

ClinVar aggregate classification (germline): Uncertain significance (1 of 4 stars; one submission).

Submission:

GeneDx
Classification: Uncertain significance. Last evaluated: 2024-08-06. Review status: criteria provided, single submitter. Criteria: GeneDx Variant Classification Process June 2021. Collection method: clinical testing. Allele origin: germline. Affected: yes.
Comment: Not observed at significant frequency in large population cohorts (gnomAD); In silico analysis indicates that this missense variant does not alter protein structure/function; Has not been previously published as pathogenic or benign to our knowledge